The following is an entry in ClinVar:

NM_022124.6(CDH23):c.8208_8209del (p.Val2737fs)

Gene: CDH23 (cadherin related 23; plus strand). Cytogenetic location: 10q22.1.
Variant type: Deletion.
Coding change: c.8208_8209del on transcript NM_022124.6 (MANE Select); coding-DNA positions 8208 to 8209, 2 bases deleted (AG; older notation c.8208_8209delAG).
Protein change: p.Val2737fs; shifts the reading frame from valine 2737.
Molecular consequence: frameshift variant.
Genome position (GRCh38, 1-based): chr10:71,807,306-71,807,307, AG deleted. VCF-style (leftmost placement, unchanged base first): chr10-71807305-CAG-C. GRCh37 (hg19) VCF-style: chr10-73567062-CAG-C.
Other names: c.1488_1489del, p.Val497fs (NM_001171933.1, NM_001171934.1); c.8208_8209del (NM_022124.5); short protein forms V2737fs, V497fs.
Identifiers: ClinVar variation 1710061 (VCV001710061.7), dbSNP rs2494433582, ClinGen allele CA2580081922.
Genomic context (GRCh38, chr10:71,807,305, plus strand): 5'-CCCCATGTGATGACATCCCCCTCCCTCTGCAGAAAGGCAGCCCCCAGTACCAGCTGCTGA[CAG>C]TGCCTGAGCACTCACCACGCGGCACCCTCGTGGGCAACGTGACAGGCGCAGTGGATGCAG-3'

ClinVar aggregate classification (germline): Pathogenic/Likely pathogenic. Review status: criteria provided, multiple submitters, no conflicts (2 of 4 stars). 4 submissions from 4 submitters: Pathogenic (3); Likely pathogenic (1). Last evaluated 2024-01-03.

Conditions:
Usher syndrome type 1D (USH1D). Also called: USHER SYNDROME, TYPE ID. Identifiers: Orphanet 231169, Orphanet 886, MedGen C1832845, MONDO:0010984, OMIM 601067.
Autosomal recessive nonsyndromic hearing loss 12. Also called: DEAFNESS, AUTOSOMAL RECESSIVE 12. Identifiers: Orphanet 90636, MedGen C1832394, MONDO:0011067, OMIM 601386.

Allele frequency attached by ClinVar (database versions not stated): gnomAD 0.00001.

Submissions (4):

GeneDx
Classification: Pathogenic. Last evaluated: 2024-01-03. Review status: criteria provided, single submitter. Criteria: GeneDx Variant Classification Process June 2021. Collection method: clinical testing. Allele origin: germline. Affected: yes.
Comment: Frameshift variant predicted to result in protein truncation or nonsense mediated decay in a gene for which loss of function is a known mechanism of disease; Not observed at significant frequency in large population cohorts (gnomAD); This variant is associated with the following publications: (PMID: 26445815, 21940737)

Labcorp Genetics (formerly Invitae), Labcorp
Classification: Pathogenic. Last evaluated: 2023-11-13. Review status: criteria provided, single submitter. Criteria: Invitae Variant Classification Sherloc (09022015). Collection method: clinical testing. Allele origin: germline.
Comment: This sequence change creates a premature translational stop signal (p.Val2737Alafs*2) in the CDH23 gene. It is expected to result in an absent or disrupted protein product. Loss-of-function variants in CDH23 are known to be pathogenic (PMID: 11138009, 21940737). This variant is not present in population databases (gnomAD no frequency). This premature translational stop signal has been observed in individual(s) with Usher syndrome (PMID: 21940737, 26445815). This variant is also known as c.1488_1489delAG. ClinVar contains an entry for this variant (Variation ID: 1710061). For these reasons, this variant has been classified as Pathogenic.

MGZ Medical Genetics Center
Classification: Likely pathogenic for Usher syndrome type 1D. Last evaluated: 2021-12-10. Review status: criteria provided, single submitter. Criteria: ACMG Guidelines, 2015. Collection method: clinical testing. Allele origin: germline. Affected: yes. Observed: 4 variant alleles.
Comment: ACMG criteria applied: PVS1, PM2_SUP

Genetics Research Center, University of Social Welfare and Rehabilitation Sciences
Classification: Pathogenic for Autosomal recessive nonsyndromic hearing loss 12. Review status: criteria provided, single submitter. Criteria: ACMG Guidelines, 2015. Collection method: research. Allele origin: germline. Affected: yes.
Comment: The variant is not present in the gnomAD v2.1.1 dataset and has been previously reported in individual(s) affected with CDH23-related hearing loss (PMID:11138009‚ 21940737‚ 26445815). It is a premature termination codon expected to result in an absent or disrupted protein product.

Literature cited by the submitters: PubMed 11138009 (cited by Labcorp Genetics (formerly Invitae), Labcorp and Genetics Research Center, University of Social Welfare and Rehabilitation Sciences); PubMed 21940737 (cited by Labcorp Genetics (formerly Invitae), Labcorp and Genetics Research Center, University of Social Welfare and Rehabilitation Sciences); PubMed 26445815 (cited by Labcorp Genetics (formerly Invitae), Labcorp and Genetics Research Center, University of Social Welfare and Rehabilitation Sciences).